The following is an entry in ClinVar:

ClinVar aggregate classification (germline): Likely benign (1 of 4 stars; one submission).

Allele frequency attached by ClinVar (database versions not stated): TOPMed below 0.00001 and 0.00001; gnomAD 0.00001.

Submission:

GeneDx
Classification: Likely benign. Last evaluated: 2018-04-26. Review status: criteria provided, single submitter. Criteria: GeneDx Variant Classification (06012015). Collection method: clinical testing. Allele origin: germline. Affected: yes.
Comment: This variant is considered likely benign or benign based on one or more of the following criteria: it is a conservative change, it occurs at a poorly conserved position in the protein, it is predicted to be benign by multiple in silico algorithms, and/or has population frequency not consistent with disease.

NM_032609.3(COX4I2):c.-40G>A

Genes: COX4I2 (cytochrome c oxidase subunit 4I2; plus strand), LOC130065606 (ATAC-STARR-seq lymphoblastoid silent region 12759; plus strand). Cytogenetic location: 20q11.21.
Variant type: single nucleotide variant.
Coding change: c.-40G>A on transcript NM_032609.3 (MANE Select); 40 bases upstream of the start codon, G replaced by A.
Molecular consequence: 5 prime UTR variant.
Genome position (GRCh38, 1-based): chr20:31,637,923, G>A. VCF-style: chr20-31637923-G-A. GRCh37 (hg19) VCF-style: chr20-30225726-G-A.
Identifiers: ClinVar variation 681930 (VCV000681930.1), dbSNP rs1189730987, ClinGen allele CA743570400.